The following is an entry in ClinVar:

ClinVar aggregate classification (germline): Uncertain significance (1 of 4 stars; one submission).

gnomAD v4.1: 1 of 1,588,950 alleles (0.000063%); highest among the groups gnomAD compares: Non-Finnish European, 0.000086%; no homozygotes.

Submission:

Labcorp Genetics (formerly Invitae), Labcorp
Classification: Uncertain significance. Last evaluated: 2021-05-27. Review status: criteria provided, single submitter. Criteria: Invitae Variant Classification Sherloc (09022015). Collection method: clinical testing. Allele origin: germline.
Comment: Algorithms developed to predict the effect of missense changes on protein structure and function (SIFT, PolyPhen-2, Align-GVGD) all suggest that this variant is likely to be disruptive, but these predictions have not been confirmed by published functional studies and their clinical significance is uncertain. In summary, the available evidence is currently insufficient to determine the role of this variant in disease. Therefore, it has been classified as a Variant of Uncertain Significance. This variant has not been reported in the literature in individuals with CCT2-related conditions. This variant is not present in population databases (ExAC no frequency). This sequence change replaces lysine with asparagine at codon 222 of the CCT2 protein (p.Lys222Asn). The lysine residue is highly conserved and there is a moderate physicochemical difference between lysine and asparagine.

NM_006431.3(CCT2):c.666A>C (p.Lys222Asn)

Gene: CCT2 (chaperonin containing TCP1 subunit 2; plus strand). Cytogenetic location: 12q15.
Variant type: single nucleotide variant.
Coding change: c.666A>C on transcript NM_006431.3 (MANE Select); coding-DNA position 666, A replaced by C.
Protein change: p.Lys222Asn; replaces lysine 222 with asparagine.
Molecular consequence: missense variant.
Genome position (GRCh38, 1-based): chr12:69,592,075, A>C. VCF-style: chr12-69592075-A-C. GRCh37 (hg19) VCF-style: chr12-69985855-A-C.
Other names: c.525A>C, p.Lys175Asn (NM_001198842.2); short protein forms K175N, K222N.
Identifiers: ClinVar variation 1494199 (VCV001494199.8), dbSNP rs747655156, ClinGen allele CA385728018.